The following is an entry in ClinVar:

ClinVar aggregate classification (germline): Conflicting classifications of pathogenicity. Review status: criteria provided, conflicting classifications (1 of 4 stars). 4 submissions from 4 submitters: Uncertain significance (2); Likely benign (2). Last evaluated 2024-11-27.

Conditions:
Familial cold autoinflammatory syndrome 2 (FCAS2). Identifiers: Orphanet 247868, MedGen C2673198, MONDO:0012724, OMIM 611762.

Allele frequency attached by ClinVar (database versions not stated): ESP Exome Variant Server 0.00008; TOPMed 0.00008; gnomAD 0.00010 and 0.00011; gnomAD exomes 0.00004 and 0.00006; ExAC 0.00008.
gnomAD v4.1: 81 of 1,613,942 alleles (0.005%); highest among the groups gnomAD compares: East Asian, 0.056%; no homozygotes.

Submissions (4):

Blueprint Genetics
Classification: Likely benign. Last evaluated: 2024-11-27. Review status: criteria provided, single submitter. Criteria: ACMG Guidelines, 2015. Collection method: clinical testing. Allele origin: germline.

Labcorp Genetics (formerly Invitae), Labcorp
Classification: Uncertain significance for Familial cold autoinflammatory syndrome 2. Last evaluated: 2024-10-02. Review status: criteria provided, single submitter. Criteria: Invitae Variant Classification Sherloc (09022015). Collection method: clinical testing. Allele origin: germline.
Comment: This sequence change replaces arginine, which is basic and polar, with glutamine, which is neutral and polar, at codon 79 of the NLRP12 protein (p.Arg79Gln). This variant is present in population databases (rs144936138, gnomAD 0.07%), and has an allele count higher than expected for a pathogenic variant. This missense change has been observed in individual(s) with familial cold autoinflammatory syndrome (internal data). ClinVar contains an entry for this variant (Variation ID: 573609). Invitae Evidence Modeling of protein sequence and biophysical properties (such as structural, functional, and spatial information, amino acid conservation, physicochemical variation, residue mobility, and thermodynamic stability) indicates that this missense variant is not expected to disrupt NLRP12 protein function with a negative predictive value of 80%. In summary, the available evidence is currently insufficient to determine the role of this variant in disease. Therefore, it has been classified as a Variant of Uncertain Significance.

CeGaT Center for Human Genetics Tuebingen
Classification: Likely benign. Last evaluated: 2021-07-01. Review status: criteria provided, single submitter. Criteria: CeGaT Center For Human Genetics Tuebingen Variant Classification Criteria Version 2. Collection method: clinical testing. Allele origin: germline. Affected: yes. Observed: 1 variant allele.

GeneDx
Classification: Uncertain significance. Last evaluated: 2021-04-06. Review status: criteria provided, single submitter. Criteria: GeneDx Variant Classification Process June 2021. Collection method: clinical testing. Allele origin: germline. Affected: yes.
Comment: In silico analysis supports that this missense variant does not alter protein structure/function; Has not been previously published as pathogenic or benign to our knowledge

NM_144687.4(NLRP12):c.236G>A (p.Arg79Gln)

Gene: NLRP12 (NLR family pyrin domain containing 12; minus strand). Cytogenetic location: 19q13.42.
Variant type: single nucleotide variant.
Coding change: c.236G>A on transcript NM_144687.4 (MANE Select); coding-DNA position 236, G replaced by A.
Protein change: p.Arg79Gln; replaces arginine 79 with glutamine.
Molecular consequence: missense variant.
Genome position (GRCh38, 1-based): chr19:53,823,939, C>T on the plus strand (G>A on the coding strand, the complement: NLRP12 is on the minus strand). VCF-style: chr19-53823939-C-T. GRCh37 (hg19) VCF-style: chr19-54327193-C-T.
Other names: c.236G>A (NM_144687.2); c.236G>A, p.Arg79Gln (NM_001277126.2, NM_001277129.1); short protein forms R79Q.
Identifiers: ClinVar variation 573609 (VCV000573609.47), dbSNP rs144936138, ClinGen allele CA9639807.